The following is an entry in ClinVar:

ClinVar aggregate classification (germline): Uncertain significance. Review status: criteria provided, single submitter (1 of 4 stars). 2 submissions from 2 submitters: Uncertain significance (1). 1 of the submissions does not count toward it. Last evaluated 2025-04-14.

Conditions:
TRPC5-related disorder. Also called: TRPC5-related condition.

Allele frequency attached by ClinVar (database versions not stated): ExAC 0.00004; gnomAD 0.00004; TOPMed 0.00005; ESP Exome Variant Server 0.00009.
gnomAD v4.1: 27 of 1,189,413 alleles (0.0023%); highest among the groups gnomAD compares: Middle Eastern, 0.024%; no homozygotes.

Submissions (3):

Ambry Genetics
Classification: Uncertain significance. Last evaluated: 2025-04-14. Review status: criteria provided, single submitter. Criteria: Ambry Variant Classification Scheme 2023. Collection method: clinical testing. Allele origin: germline.

PreventionGenetics, part of Exact Sciences
Classification: Uncertain significance for TRPC5-related condition. Last evaluated: 2024-04-30. Review status: no assertion criteria provided. Collection method: clinical testing. Allele origin: germline. Not counted in ClinVar's aggregate classification.
Comment: The TRPC5 c.2080C>T variant is predicted to result in the amino acid substitution p.Arg694Cys. To our knowledge, this variant has not been reported in the literature. This variant is reported in 0.0067% of alleles in individuals of South Asian descent in gnomAD. At this time, the clinical significance of this variant is uncertain due to the absence of conclusive functional and genetic evidence.

Dr. Peter K. Rogan Lab, Western University
No classification provided (evidence only). Condition: Glioma susceptibility 1. Review status: no classification provided. Collection method: in vitro. Allele origin: not applicable. Functional consequence: retained intron. Not counted in ClinVar's aggregate classification.

NM_012471.3(TRPC5):c.2080C>T (p.Arg694Cys)

Gene: TRPC5 (transient receptor potential cation channel subfamily C member 5; minus strand). Cytogenetic location: Xq23.
Variant type: single nucleotide variant.
Coding change: c.2080C>T on transcript NM_012471.3 (MANE Select); coding-DNA position 2080, C replaced by T.
Protein change: p.Arg694Cys; replaces arginine 694 with cysteine.
Molecular consequence: missense variant.
Genome position (GRCh38, 1-based): chrX:111,781,955, G>A on the plus strand (C>T on the coding strand, the complement: TRPC5 is on the minus strand). VCF-style: chrX-111781955-G-A. GRCh37 (hg19) VCF-style: chrX-111025183-G-A.
Other names: NC_000023.10:g.111025183G>A; short protein forms R694C.
Identifiers: ClinVar variation 2212957 (VCV002212957.5), dbSNP rs200308169, ClinGen allele CA10494221.